The following is an entry in ClinVar:

ClinVar aggregate classification (germline): Uncertain significance (1 of 4 stars; one submission).

Conditions:
Adams-Oliver syndrome 5 (AOS5). Identifiers: Orphanet 974, MedGen C4014970, MONDO:0014459, OMIM 616028.

Allele frequency attached by ClinVar (database versions not stated): gnomAD 0.00001; gnomAD exomes 0.00001; TOPMed 0.00001.
gnomAD v4.1: 10 of 1,609,920 alleles (0.00062%); highest among the groups gnomAD compares: East Asian, 0.0022%; no homozygotes.

Submission:

Labcorp Genetics (formerly Invitae), Labcorp
Classification: Uncertain significance for Adams-Oliver syndrome 5. Last evaluated: 2025-12-15. Review status: criteria provided, single submitter. Criteria: Invitae Variant Classification Sherloc (09022015). Collection method: clinical testing. Allele origin: germline.
Comment: This sequence change replaces alanine, which is neutral and non-polar, with threonine, which is neutral and polar, at codon 1552 of the NOTCH1 protein (p.Ala1552Thr). This variant is not present in population databases (gnomAD no frequency). This variant has not been reported in the literature in individuals affected with NOTCH1-related conditions. ClinVar contains an entry for this variant (Variation ID: 659395). Invitae Evidence Modeling of protein sequence and biophysical properties (such as structural, functional, and spatial information, amino acid conservation, physicochemical variation, residue mobility, and thermodynamic stability) indicates that this missense variant is not expected to disrupt NOTCH1 protein function with a negative predictive value of 80%. In summary, the available evidence is currently insufficient to determine the role of this variant in disease. Therefore, it has been classified as a Variant of Uncertain Significance.

NM_017617.5(NOTCH1):c.4654G>A (p.Ala1552Thr)

Gene: NOTCH1 (notch receptor 1; minus strand). Cytogenetic location: 9q34.3.
Variant type: single nucleotide variant.
Coding change: c.4654G>A on transcript NM_017617.5 (MANE Select); coding-DNA position 4654, G replaced by A.
Protein change: p.Ala1552Thr; replaces alanine 1552 with threonine.
Molecular consequence: missense variant.
Genome position (GRCh38, 1-based): chr9:136,505,037, C>T on the plus strand (G>A on the coding strand, the complement: NOTCH1 is on the minus strand). VCF-style: chr9-136505037-C-T. GRCh37 (hg19) VCF-style: chr9-139399489-C-T.
Other names: c.4654G>A, p.Ala1552Thr (LRG_1122t1); short protein forms A1552T.
Identifiers: ClinVar variation 659395 (VCV000659395.8), dbSNP rs1438164851, ClinGen allele CA375645744.
Genomic context (GRCh38, chr9:136,505,037, plus strand): 5'-CGGCCGCCAGCCTCTCGGGTACATGCTCCGCACAGTCCAGCCCGTCCCACTCGCACTCCG[C>T]GCTGTTGCAGCCCTGGTCGCAGTGCCCGTCGCTGAAGTGGTCCTTGCAGTACTGGTCGTA-3'
Protein context (NP_060087.3, residues 1542-1562): DGHCDQGCNS[Ala1552Thr]ECEWDGLDCA